The following is an entry in ClinVar:

NM_001710.6(CFB):c.2071G>A (p.Asp691Asn)

Gene: CFB (complement factor B; plus strand). Cytogenetic location: 6p21.33.
Variant type: single nucleotide variant.
Coding change: c.2071G>A on transcript NM_001710.6 (MANE Select); coding-DNA position 2071, G replaced by A.
Protein change: p.Asp691Asn; replaces aspartic acid 691 with asparagine.
Molecular consequence: missense variant.
Genome position (GRCh38, 1-based): chr6:31,951,455, G>A. VCF-style: chr6-31951455-G-A. GRCh37 (hg19) VCF-style: chr6-31919232-G-A.
Other names: short protein forms D691N.
Identifiers: ClinVar variation 4723114 (VCV004723114.1).

ClinVar aggregate classification (germline): Uncertain significance (1 of 4 stars; one submission).

Submission:

Labcorp Genetics (formerly Invitae), Labcorp
Classification: Uncertain significance. Last evaluated: 2025-03-18. Review status: criteria provided, single submitter. Criteria: Invitae Variant Classification Sherloc (09022015). Collection method: clinical testing. Allele origin: germline.
Comment: This sequence change replaces aspartic acid, which is acidic and polar, with asparagine, which is neutral and polar, at codon 691 of the CFB protein (p.Asp691Asn). This variant is not present in population databases (gnomAD no frequency). This variant has not been reported in the literature in individuals affected with CFB-related conditions. Invitae Evidence Modeling of protein sequence and biophysical properties (such as structural, functional, and spatial information, amino acid conservation, physicochemical variation, residue mobility, and thermodynamic stability) indicates that this missense variant is not expected to disrupt CFB protein function with a negative predictive value of 80%. In summary, the available evidence is currently insufficient to determine the role of this variant in disease. Therefore, it has been classified as a Variant of Uncertain Significance.